The following is an entry in ClinVar:

NM_001232.4(CASQ2):c.158G>A (p.Cys53Tyr)

Gene: CASQ2 (calsequestrin 2; minus strand). Cytogenetic location: 1p13.1.
Variant type: single nucleotide variant.
Coding change: c.158G>A on transcript NM_001232.4 (MANE Select); coding-DNA position 158, G replaced by A.
Protein change: p.Cys53Tyr; replaces cysteine 53 with tyrosine.
Molecular consequence: missense variant.
Genome position (GRCh38, 1-based): chr1:115,768,384, C>T on the plus strand (G>A on the coding strand, the complement: CASQ2 is on the minus strand). VCF-style: chr1-115768384-C-T. GRCh37 (hg19) VCF-style: chr1-116311005-C-T.
Other names: short protein forms C53Y.
Identifiers: ClinVar variation 1421161 (VCV001421161.7), dbSNP rs151168851, ClinGen allele CA341767129.
Genomic context (GRCh38, chr1:115,768,384, plus strand): 5'-TTCAGTTGGAACTGTTTTTGCGTGACCTTATCTGAAGACACCGGCTCATGGTAGTAGAGG[C>T]AAAGCAAGTCATATTTCTTTAAAACCTGCTTGAAGTTCTTCTCGGAAAGACTTACCACTC-3'
Protein context (NP_001223.2, residues 43-63): KQVLKKYDLL[Cys53Tyr]LYYHEPVSSD

ClinVar aggregate classification (germline): Uncertain significance (1 of 4 stars; one submission).

Conditions:
Catecholaminergic polymorphic ventricular tachycardia 1. Also called: VENTRICULAR TACHYCARDIA, CATECHOLAMINERGIC POLYMORPHIC, 1, WITH OR WITHOUT ATRIAL DYSFUNCTION AND/OR DILATED CARDIOMYOPATHY; RYR2-Related Catecholaminergic Polymorphic Ventricular Tachycardia; VENTRICULAR TACHYCARDIA, STRESS-INDUCED POLYMORPHIC 1. Identifiers: Orphanet 3286, MedGen C1631597, MONDO:0011484, OMIM 604772.

Submission:

Labcorp Genetics (formerly Invitae), Labcorp
Classification: Uncertain significance for Catecholaminergic polymorphic ventricular tachycardia 1. Last evaluated: 2021-12-01. Review status: criteria provided, single submitter. Criteria: Invitae Variant Classification Sherloc (09022015). Collection method: clinical testing. Allele origin: germline.
Comment: This variant is not present in population databases (gnomAD no frequency). This sequence change replaces cysteine, which is neutral and slightly polar, with tyrosine, which is neutral and polar, at codon 53 of the CASQ2 protein (p.Cys53Tyr). In summary, the available evidence is currently insufficient to determine the role of this variant in disease. Therefore, it has been classified as a Variant of Uncertain Significance. Advanced modeling of protein sequence and biophysical properties (such as structural, functional, and spatial information, amino acid conservation, physicochemical variation, residue mobility, and thermodynamic stability) performed at Invitae indicates that this missense variant is expected to disrupt CASQ2 protein function. This variant has not been reported in the literature in individuals affected with CASQ2-related conditions.